The following is an entry in ClinVar:

NM_000245.4(MET):c.2363T>A (p.Val788Glu)

Gene: MET (MET proto-oncogene, receptor tyrosine kinase; plus strand). Cytogenetic location: 7q31.2.
Variant type: single nucleotide variant.
Coding change: c.2363T>A on transcript NM_000245.4 (MANE Select); coding-DNA position 2363, T replaced by A.
Protein change: p.Val788Glu; replaces valine 788 with glutamic acid.
Molecular consequence: missense variant.
Genome position (GRCh38, 1-based): chr7:116,759,489, T>A. VCF-style: chr7-116759489-T-A. GRCh37 (hg19) VCF-style: chr7-116399543-T-A.
Other names: c.2417T>A, p.Val806Glu (NM_001127500.3); c.2363T>A, p.Val788Glu (NM_001324401.3); c.1073T>A, p.Val358Glu (NM_001324402.2); short protein forms V358E, V806E, V788E.
Identifiers: ClinVar variation 1790957 (VCV001790957.3), dbSNP rs786204142, ClinGen allele CA368982597.
Genomic context (GRCh38, chr7:116,759,489, plus strand): 5'-ATTCAGTTAGTGTCCCGAGAATGGTCATAAATGTGCATGAAGCAGGAAGGAACTTTACAG[T>A]GGTAAGTCCTTTGAGCAATGGTTCTACTCAGAGCTCTGCATCTTTGCCTCTAACCATGTG-3'
Protein context (NP_000236.2, residues 778-798): NVHEAGRNFT[Val788Glu]ACQHRSNSEI

ClinVar aggregate classification (germline): Uncertain significance. Review status: criteria provided, multiple submitters, no conflicts (2 of 4 stars). 2 submissions from 2 submitters: Uncertain significance (2). Last evaluated 2023-11-08.

Conditions:
Hereditary cancer-predisposing syndrome. Also called: Hereditary Cancer Syndrome; Hereditary neoplastic syndrome; Tumor predisposition; Neoplastic Syndromes, Hereditary. Identifiers: Orphanet 140162, MedGen C0027672, MeSH D009386, MONDO:0015356.
Autosomal recessive nonsyndromic hearing loss 97. Also called: Deafness, autosomal recessive 97. Identifiers: Orphanet 90636, MedGen C4084709, MONDO:0014739, OMIM 616705.

Submissions (2):

Baylor Genetics
Classification: Uncertain significance for Autosomal recessive nonsyndromic hearing loss 97. Last evaluated: 2023-11-08. Review status: criteria provided, single submitter. Criteria: ACMG Guidelines, 2015. Collection method: clinical testing. Allele origin: unknown.

Ambry Genetics
Classification: Uncertain significance for Hereditary cancer-predisposing syndrome. Last evaluated: 2017-06-29. Review status: criteria provided, single submitter. Criteria: Ambry Variant Classification Scheme 2023. Collection method: clinical testing. Allele origin: germline.
Comment: The p.V806E variant (also known as c.2417T>A), located in coding exon 9 of the MET gene, results from a T to A substitution at nucleotide position 2417. The valine at codon 806 is replaced by glutamic acid, an amino acid with dissimilar properties. This amino acid position is highly conserved in available vertebrate species. In addition, this alteration is predicted to be deleterious by in silico analysis. Since supporting evidence is limited at this time, the clinical significance of this alteration remains unclear.